The following is an entry in ClinVar:

NM_001048174.2(MUTYH):c.125G>A (p.Arg42Lys)

Gene: MUTYH (mutY DNA glycosylase; minus strand). Cytogenetic location: 1p34.1.
Variant type: single nucleotide variant.
Coding change: c.125G>A on transcript NM_001048174.2 (MANE Select); coding-DNA position 125, G replaced by A.
Protein change: p.Arg42Lys; replaces arginine 42 with lysine.
Molecular consequence: missense variant. On other transcripts: 5 prime UTR variant (1), non-coding transcript variant (2), intron variant (3).
Genome position (GRCh38, 1-based): chr1:45,333,552, C>T on the plus strand (G>A on the coding strand, the complement: MUTYH is on the minus strand). VCF-style: chr1-45333552-C-T. GRCh37 (hg19) VCF-style: chr1-45799224-C-T.
Other names: c.125G>A, p.Arg42Lys (NM_001048171.2, NM_001048173.2, NM_001293195.2); c.128G>A, p.Arg43Lys (NM_001048172.2); c.209G>A, p.Arg70Lys (NM_001128425.2); c.170G>A, p.Arg57Lys (NM_001293190.2); c.158G>A, p.Arg53Lys (NM_001293191.2); c.-147G>A (NM_001350650.2); c.200G>A, p.Arg67Lys (NM_012222.3); c.-92-55G>A (NM_001350651.2); and 1 more; short protein forms R42K, R67K, R53K, R43K, R57K, R70K.
Identifiers: ClinVar variation 856487 (VCV000856487.12), dbSNP rs1645382242, ClinGen allele CA340136686.
Genomic context (GRCh38, chr1:45,333,552, plus strand): 5'-ACGTCTCTGAATAGATGGTATGAGGAGACAGAGGCCTGCAATACCACCTCTTCCGGCTGC[C>T]TGGCCAGGCCTGCTGGGGCCCCAGGACACTCAGCAATCATCCCTGCACAGGCTGTGCATC-3'
Protein context (NP_001041639.1, residues 32-52): AKPSACDGLA[Arg42Lys]QPEEVVLQAS

ClinVar aggregate classification (germline): Conflicting classifications of pathogenicity. Review status: criteria provided, conflicting classifications (1 of 4 stars). 3 submissions from 3 submitters: Uncertain significance (2); Benign (1). Last evaluated 2025-09-09.

Conditions:
Hereditary cancer-predisposing syndrome. Also called: Neoplastic Syndromes, Hereditary; Hereditary neoplastic syndrome; Tumor predisposition; Hereditary Cancer Syndrome. Identifiers: Orphanet 140162, MedGen C0027672, MeSH D009386, MONDO:0015356.
Familial adenomatous polyposis 2. Also called: MUTYH-related attenuated familial adenomatous polyposis; FAP type 2; Adenomas, multiple colorectal; COLORECTAL ADENOMATOUS POLYPOSIS, AUTOSOMAL RECESSIVE; MUTYH-associated polyposis; MUTYH Polyposis. Identifiers: Orphanet 220460, Orphanet 247798, MedGen C3272841, MONDO:0012041, OMIM 608456.

Allele frequency attached by ClinVar (database versions not stated): gnomAD exomes below 0.00001.
gnomAD v4.1: 1 of 1,613,820 alleles (0.000062%); highest among the groups gnomAD compares: East Asian, 0.0022%; no homozygotes.

Submissions (3):

Ambry Genetics
Classification: Benign for Hereditary cancer-predisposing syndrome. Last evaluated: 2025-09-09. Review status: criteria provided, single submitter. Criteria: Ambry Variant Classification Scheme 2023. Collection method: clinical testing. Allele origin: germline.

Dasa
Classification: Uncertain significance. Last evaluated: 2024-12-10. Review status: criteria provided, single submitter. Criteria: DASA Assertion Criteria. Collection method: clinical testing. Allele origin: germline.
Comment: NM_001048174.2(MUTYH):c.125G>A (p.Arg42Lys) is a missense variant that results in the substitution of arginine with lysine. This variant is rare in population databases. Computational prediction algorithms are consistent with a benign effect. The currently available literature and clinical evidence are not sufficient to establish a definitive association between this variant and the reported condition. Therefore, this variant is classified as a variant of uncertain significance.

Labcorp Genetics (formerly Invitae), Labcorp
Classification: Uncertain significance for Familial adenomatous polyposis 2. Last evaluated: 2021-08-27. Review status: criteria provided, single submitter. Criteria: Invitae Variant Classification Sherloc (09022015). Collection method: clinical testing. Allele origin: germline.
Comment: This sequence change replaces arginine with lysine at codon 70 of the MUTYH protein (p.Arg70Lys). The arginine residue is weakly conserved and there is a small physicochemical difference between arginine and lysine. This variant is not present in population databases (ExAC no frequency). This variant has not been reported in the literature in individuals affected with MUTYH-related conditions. Algorithms developed to predict the effect of missense changes on protein structure and function output the following: SIFT: "Tolerated"; PolyPhen-2: "Benign"; Align-GVGD: "Class C0". The lysine amino acid residue is found in multiple mammalian species, which suggests that this missense change does not adversely affect protein function. In summary, the available evidence is currently insufficient to determine the role of this variant in disease. Therefore, it has been classified as a Variant of Uncertain Significance.